The following is an entry in ClinVar:

ClinVar aggregate classification (germline): Pathogenic/Likely pathogenic. Review status: criteria provided, multiple submitters, no conflicts (2 of 4 stars). 2 submissions from 2 submitters: Pathogenic (1); Likely pathogenic (1). Last evaluated 2026-01-19.

Conditions:
Hypertrophic cardiomyopathy 26. Also called: Cardiomyopathy, familial hypertrophic, 26. Identifiers: Orphanet 75249, MedGen C4310749, MONDO:0014883, OMIM 617047.
Myofibrillar myopathy 5. Also called: Filaminopathy (type); FILAMINOPATHY, AUTOSOMAL DOMINANT. Identifiers: Orphanet 171445, MedGen C1836050, MONDO:0012289, OMIM 609524.
Distal myopathy with posterior leg and anterior hand involvement. Also called: WILLIAMS DISTAL MYOPATHY. Identifiers: Orphanet 63273, MedGen C3279722, MONDO:0013550, OMIM 614065.

Submissions (2):

Labcorp Genetics (formerly Invitae), Labcorp
Classification: Pathogenic for Distal myopathy with posterior leg and anterior hand involvement; Myofibrillar myopathy 5; Hypertrophic cardiomyopathy 26. Last evaluated: 2026-01-19. Review status: criteria provided, single submitter. Criteria: Invitae Variant Classification Sherloc (09022015). Collection method: clinical testing. Allele origin: germline.
Comment: This sequence change creates a premature translational stop signal (p.Tyr2692*) in the FLNC gene. While this is not anticipated to result in nonsense mediated decay, it is expected to disrupt the last 34 amino acid(s) of the FLNC protein. This variant is not present in population databases (gnomAD no frequency). This variant has not been reported in the literature in individuals affected with FLNC-related conditions. ClinVar contains an entry for this variant (Variation ID: 585876). This variant disrupts a region of the FLNC protein in which other variant(s) (p.Val2715Profs*88 (also known as p.Val2715fs87X) ) have been determined to be pathogenic (PMID: 38761081). This suggests that this is a clinically significant region of the protein, and that variants that disrupt it are likely to be disease-causing. For these reasons, this variant has been classified as Pathogenic.

Athena Diagnostics
Classification: Likely pathogenic. Last evaluated: 2018-01-16. Review status: criteria provided, single submitter. Criteria: Athena Diagnostics Criteria. Collection method: clinical testing. Allele origin: germline.

Literature cited by the submitters: PubMed 38761081 (cited by Labcorp Genetics (formerly Invitae), Labcorp).

NM_001458.5(FLNC):c.8076C>A (p.Tyr2692Ter)

Genes: FLNC-AS1 (FLNC antisense RNA 1; minus strand), FLNC (filamin C; plus strand). Cytogenetic location: 7q32.1.
Variant type: single nucleotide variant.
Coding change: c.8076C>A on transcript NM_001458.5 (MANE Select); coding-DNA position 8076, C replaced by A.
Protein change: p.Tyr2692Ter; replaces tyrosine 2692 with a stop codon.
Molecular consequence: nonsense.
Genome position (GRCh38, 1-based): chr7:128,858,421, C>A. VCF-style: chr7-128858421-C-A. GRCh37 (hg19) VCF-style: chr7-128498475-C-A.
Other names: c.7977C>A, p.Tyr2659Ter (NM_001127487.2); short protein forms Y2692*, Y2659*.
Identifiers: ClinVar variation 585876 (VCV000585876.7), dbSNP rs1563006133, ClinGen allele CA369221616.